The following is an entry in ClinVar:

ClinVar aggregate classification (germline): Conflicting classifications of pathogenicity. Review status: criteria provided, conflicting classifications (1 of 4 stars). 7 submissions from 6 submitters: Uncertain significance (3); Likely benign (4). Last evaluated 2025-11-06.

Conditions:
Autosomal recessive nonsyndromic hearing loss 12. Also called: DEAFNESS, AUTOSOMAL RECESSIVE 12. Identifiers: Orphanet 90636, MedGen C1832394, MONDO:0011067, OMIM 601386.
Usher syndrome type 1D (USH1D). Also called: USHER SYNDROME, TYPE ID. Identifiers: Orphanet 231169, Orphanet 886, MedGen C1832845, MONDO:0010984, OMIM 601067.

Allele frequency attached by ClinVar (database versions not stated): gnomAD 0.00002 and 0.00005; TOPMed 0.00003; gnomAD exomes 0.00008 and 0.00015; ExAC 0.00014; 1000 Genomes Project 0.00020; 1000 Genomes Project 30x 0.00031.
gnomAD v4.1: 119 of 1,614,000 alleles (0.0074%); highest among the groups gnomAD compares: South Asian, 0.094%; 1 homozygote.

Submissions (7):

Labcorp Genetics (formerly Invitae), Labcorp
Classification: Likely benign. Last evaluated: 2025-11-06. Review status: criteria provided, single submitter. Criteria: Invitae Variant Classification Sherloc (09022015). Collection method: clinical testing. Allele origin: germline.

Blueprint Genetics
Classification: Uncertain significance. Last evaluated: 2024-05-06. Review status: criteria provided, single submitter. Criteria: ACMG Guidelines, 2015. Collection method: clinical testing. Allele origin: germline.

Genome-Nilou Lab
Classification: Likely benign for Usher syndrome type 1D. Last evaluated: 2021-05-18. Review status: criteria provided, single submitter. Criteria: ACMG Guidelines, 2015. Collection method: clinical testing. Allele origin: germline. Affected: no.

Athena Diagnostics
Classification: Likely benign. Last evaluated: 2020-02-03. Review status: criteria provided, single submitter. Criteria: Athena Diagnostics Criteria. Collection method: clinical testing. Allele origin: unknown.

Illumina Laboratory Services, Illumina
Classification: Uncertain significance for Usher syndrome type 1D. Last evaluated: 2018-01-12. Review status: criteria provided, single submitter. Criteria: ICSL Variant Classification Criteria 13 December 2019. Collection method: clinical testing. Allele origin: germline.

Illumina Laboratory Services, Illumina
Classification: Uncertain significance for Autosomal recessive nonsyndromic hearing loss 12. Last evaluated: 2018-01-12. Review status: criteria provided, single submitter. Criteria: ICSL Variant Classification Criteria 13 December 2019. Collection method: clinical testing. Allele origin: germline.

Laboratory for Molecular Medicine, Mass General Brigham Personalized Medicine
Classification: Likely benign. Last evaluated: 2012-09-23. Review status: criteria provided, single submitter. Criteria: LMM Criteria. Collection method: clinical testing. Allele origin: germline. Observed: 1 variant allele.
Comment: Thr491Ile in exon 15 of CDH23: This variant is not expected to have clinical sig nificance due to a lack of conservation of the amino acid site across species, i ncluding mammals. Of note, the kangaroo rat has an Ile at this position, despit e high nearby amino acid conservation.

NM_022124.6(CDH23):c.1472C>T (p.Thr491Ile)

Gene: CDH23 (cadherin related 23; plus strand). Cytogenetic location: 10q22.1.
Variant type: single nucleotide variant.
Coding change: c.1472C>T on transcript NM_022124.6 (MANE Select); coding-DNA position 1472, C replaced by T.
Protein change: p.Thr491Ile; replaces threonine 491 with isoleucine.
Molecular consequence: missense variant.
Genome position (GRCh38, 1-based): chr10:71,675,134, C>T. VCF-style: chr10-71675134-C-T. GRCh37 (hg19) VCF-style: chr10-73434891-C-T.
Other names: c.1472C>T, p.Thr491Ile (NM_001171930.2, NM_001171931.2); short protein forms T491I.
Identifiers: ClinVar variation 45873 (VCV000045873.19), dbSNP rs397517307, ClinGen allele CA137283.
Genomic context (GRCh38, chr10:71,675,134, plus strand): 5'-GGCCTGGCAGTAATGACTTCTTGTTCTCGCTGTTGCAGGCAACTGACAATGATGCAGGCA[C>T]CTTTGGGGAAGTCAGCTACTTCTTCAGTGATGACCCTGACAGGTGAGACTCTGCCCACAG-3'
Protein context (NP_071407.4, residues 481-501): TVLATDNDAG[Thr491Ile]FGEVSYFFSD